The following is an entry in ClinVar:

ClinVar aggregate classification (germline): Pathogenic (1 of 4 stars; one submission).

Submission:

GeneDx
Classification: Pathogenic. Last evaluated: 2016-12-09. Review status: criteria provided, single submitter. Criteria: GeneDx Variant Classification (06012015). Collection method: clinical testing. Allele origin: germline. Affected: yes.
Comment: To our knowledge, the E478D variant in the KRT1 gene has not been published as a pathogenic variant, nor has it been reported as a benign variant. It was not observed in approximately 6,500 individuals of European and African American ancestry in the NHLBI Exome Sequencing Project, indicating it is not a common benign variant in these populations. This substitution occurs within a known mutational hotspot region (helix termination motif) that is highly conserved across all species and among all members of the keratin family. Many other pathogenic variants in patients with epidermolytic ichthyosis (EI) have been reported at the same (E478Q/K) and in nearby residues (L475P, I479F/T, T481P, Y482C) according to the Human Gene Mutation Database (Stenson et al., 2014). In addition, there were also two unrelated patients with EI who were heterozygous for another nucleotide change (c.1434 G>T) leading to the same amino acid replacement (E487D) (Human Intermediate Filament Database). It is well established that keratin gene mutations affecting the residues at the ends of the central rod domains of the keratin proteins (helix initiation and termination motifs) interfere with proper keratin intermediate filament assembly and function, resulting in skin fragility and/or hyperkeratosis (Chamcheu et al., 2011). Therefore, E478D is pathogenic and consistent with a diagnosis of EI (aka epidermolytic hyperkeratosis, EHK). Of note, epidermolytic ichthyosis in most patients with a pathogenic KRT1 variant also involves the skin of palms and soles (palmoplantar keratoderma).

NM_006121.4(KRT1):c.1434G>C (p.Glu478Asp)

Gene: KRT1 (keratin 1; minus strand). Cytogenetic location: 12q13.13.
Variant type: single nucleotide variant.
Coding change: c.1434G>C on transcript NM_006121.4 (MANE Select); coding-DNA position 1434, G replaced by C.
Protein change: p.Glu478Asp; replaces glutamic acid 478 with aspartic acid.
Molecular consequence: missense variant.
Genome position (GRCh38, 1-based): chr12:52,676,316, C>G on the plus strand (G>C on the coding strand, the complement: KRT1 is on the minus strand). VCF-style: chr12-52676316-C-G. GRCh37 (hg19) VCF-style: chr12-53070100-C-G.
Other names: short protein forms E478D.
Identifiers: ClinVar variation 391788 (VCV000391788.2), dbSNP rs58949162, ClinGen allele CA16606335.
Genomic context (GRCh38, chr12:52,676,316, plus strand): 5'-CCCAGCGTCCCTTCCTCACCTGCTTTCTTCTCCCTCCAGGAGGGTCCTGTAGGTGGCAAT[C>G]TCCAGATCCAGGGCCAGCTTTGTGTTCATCAGCTCCTGGTAGTCGCGCAGCAGGCGGGCC-3'
Protein context (NP_006112.3, residues 468-488): LMNTKLALDL[Glu478Asp]IATYRTLLEG